The following is an entry in ClinVar:

ClinVar aggregate classification (germline): Uncertain significance (1 of 4 stars; one submission).

Conditions:
BBS1-related disorder. Also called: BBS1-related condition.

Submission:

PreventionGenetics, part of Exact Sciences
Classification: Uncertain significance for BBS1-related condition. Last evaluated: 2025-10-30. Review status: criteria provided, single submitter. Criteria: ACMG Guidelines, 2015. Collection method: clinical testing. Allele origin: germline.
Comment: The BBS1 c.208G>T variant is predicted to result in the amino acid substitution p.Val70Leu. To our knowledge, this variant has not been reported in the literature or in a large population database (gnomAD), indicating this variant is rare. At this time, the clinical significance of this variant is uncertain due to the absence of conclusive functional and genetic evidence.

NM_024649.5(BBS1):c.208G>T (p.Val70Leu)

Gene: BBS1 (Bardet-Biedl syndrome 1; plus strand). Cytogenetic location: 11q13.2.
Variant type: single nucleotide variant.
Coding change: c.208G>T on transcript NM_024649.5 (MANE Select); coding-DNA position 208, G replaced by T.
Protein change: p.Val70Leu; replaces valine 70 with leucine.
Molecular consequence: missense variant.
Genome position (GRCh38, 1-based): chr11:66,514,454, G>T. VCF-style: chr11-66514454-G-T. GRCh37 (hg19) VCF-style: chr11-66281925-G-T.
Other names: short protein forms V70L.
Identifiers: ClinVar variation 4994678 (VCV004994678.1).
Genomic context (GRCh38, chr11:66,514,454, plus strand): 5'-CTCTCCCTGCAGCTGGTGGTAGGGGACCTTGGCCCTGGTGGGCAGCAGCCCCGCCTGAAG[G>T]TGCTCAAAGGACCACTGGTGATGACCGAAAGCCCGCTACCTGCTCTGCCAGCTGCTGCTG-3'
Protein context (NP_078925.3, residues 60-80): GPGGQQPRLK[Val70Leu]LKGPLVMTES